The following is an entry in ClinVar:

NM_003036.4(SKI):c.1087T>A (p.Ser363Thr)

Gene: SKI (SKI proto-oncogene; plus strand). Cytogenetic location: 1p36.32.
Variant type: single nucleotide variant.
Coding change: c.1087T>A on transcript NM_003036.4 (MANE Select); coding-DNA position 1087, T replaced by A.
Protein change: p.Ser363Thr; replaces serine 363 with threonine.
Molecular consequence: missense variant.
Genome position (GRCh38, 1-based): chr1:2,303,095, T>A. VCF-style: chr1-2303095-T-A. GRCh37 (hg19) VCF-style: chr1-2234534-T-A.
Other names: short protein forms S363T.
Identifiers: ClinVar variation 1788038 (VCV001788038.7), dbSNP rs375569215, ClinGen allele CA536548.

ClinVar aggregate classification (germline): Uncertain significance. Review status: criteria provided, multiple submitters, no conflicts (2 of 4 stars). 2 submissions from 2 submitters: Uncertain significance (2). Last evaluated 2025-11-01.

Conditions:
Shprintzen-Goldberg syndrome (SGS). Also called: CRANIOSYNOSTOSIS WITH ARACHNODACTYLY AND ABDOMINAL HERNIAS; SHPRINTZEN-GOLDBERG CRANIOSYNOSTOSIS SYNDROME; Marfanoid disorder with craniosynostosis type 1; Marfanoid craniosynostosis syndrome; Shprintzen-Goldberg marfanoid syndrome. Identifiers: Orphanet 2462, MedGen C1321551, MONDO:0008426, OMIM 182212.
Familial thoracic aortic aneurysm and aortic dissection (TAAD). Also called: Thoracic aortic aneurysms and dissections. Identifiers: Orphanet 91387, MedGen C4707243, MONDO:0019625.

Allele frequency attached by ClinVar (database versions not stated): gnomAD exomes 0.00002; TOPMed 0.00002; gnomAD 0.00001; ExAC 0.00002; ESP Exome Variant Server 0.00008.
gnomAD v4.1: 29 of 1,613,164 alleles (0.0018%); highest among the groups gnomAD compares: Non-Finnish European, 0.0023%; no homozygotes.

Submissions (2):

Labcorp Genetics (formerly Invitae), Labcorp
Classification: Uncertain significance for Shprintzen-Goldberg syndrome. Last evaluated: 2025-11-01. Review status: criteria provided, single submitter. Criteria: Invitae Variant Classification Sherloc (09022015). Collection method: clinical testing. Allele origin: germline.
Comment: This sequence change replaces serine, which is neutral and polar, with threonine, which is neutral and polar, at codon 363 of the SKI protein (p.Ser363Thr). This variant is present in population databases (rs375569215, gnomAD 0.004%). This variant has not been reported in the literature in individuals affected with SKI-related conditions. ClinVar contains an entry for this variant (Variation ID: 1788038). Invitae Evidence Modeling of protein sequence and biophysical properties (such as structural, functional, and spatial information, amino acid conservation, physicochemical variation, residue mobility, and thermodynamic stability) indicates that this missense variant is not expected to disrupt SKI protein function with a negative predictive value of 95%. In summary, the available evidence is currently insufficient to determine the role of this variant in disease. Therefore, it has been classified as a Variant of Uncertain Significance.

Ambry Genetics
Classification: Uncertain significance for Familial thoracic aortic aneurysm and aortic dissection. Last evaluated: 2025-08-28. Review status: criteria provided, single submitter. Criteria: Ambry Variant Classification Scheme 2023. Collection method: clinical testing. Allele origin: germline.